The following is an entry in ClinVar:

ClinVar aggregate classification (germline): Uncertain significance (1 of 4 stars; one submission).

Conditions:
Inborn genetic diseases. Identifiers: MedGen C0950123, MeSH D030342.

Submission:

Ambry Genetics
Classification: Uncertain significance for Inborn genetic diseases. Last evaluated: 2019-11-12. Review status: criteria provided, single submitter. Criteria: Ambry Variant Classification Scheme 2023. Collection method: clinical testing. Allele origin: germline.
Comment: The p.A1381S variant (also known as c.4141G>T), located in coding exon 8 of the SETX gene, results from a G to T substitution at nucleotide position 4141. The alanine at codon 1381 is replaced by serine, an amino acid with similar properties. This amino acid position is poorly conserved in available vertebrate species. In addition, this alteration is predicted to be tolerated by in silico analysis. Since supporting evidence is limited at this time, the clinical significance of this alteration remains unclear.

NM_015046.7(SETX):c.4141G>T (p.Ala1381Ser)

Gene: SETX (senataxin; minus strand). Cytogenetic location: 9q34.13.
Variant type: single nucleotide variant.
Coding change: c.4141G>T on transcript NM_015046.7 (MANE Select); coding-DNA position 4141, G replaced by T.
Protein change: p.Ala1381Ser; replaces alanine 1381 with serine.
Molecular consequence: missense variant.
Genome position (GRCh38, 1-based): chr9:132,327,457, C>A on the plus strand (G>T on the coding strand, the complement: SETX is on the minus strand). VCF-style: chr9-132327457-C-A. GRCh37 (hg19) VCF-style: chr9-135202844-C-A.
Other names: c.4141G>T, p.Ala1381Ser (NM_001351527.2, NM_001351528.2); short protein forms A1381S.
Identifiers: ClinVar variation 1738174 (VCV001738174.2), dbSNP rs2539099567, ClinGen allele CA375327205.
Genomic context (GRCh38, chr9:132,327,457, plus strand): 5'-CTCCTGTACAATTATAATCTGACCTATCAGATTCTGGTACAAATATGTCAGAATTCTGTG[C>A]TGTATGTGACCCTGCTCTTTTAACATCTGTACTTTCACAATCAGAAAGTCTTCGTCTATT-3'
Protein context (NP_055861.3, residues 1371-1391): TDVKRAGSHT[Ala1381Ser]QNSDIFVPES